The following is an entry in ClinVar:

NM_004360.5(CDH1):c.1467del (p.Glu490fs)

Gene: CDH1 (cadherin 1; plus strand). Cytogenetic location: 16q22.1.
Variant type: Deletion.
Coding change: c.1467del on transcript NM_004360.5 (MANE Select); coding-DNA position 1467, one base deleted (T; older notation c.1467delT).
Protein change: p.Glu490fs; shifts the reading frame from glutamic acid 490.
Molecular consequence: frameshift variant. On other transcripts: 5 prime UTR variant (2).
Genome position (GRCh38, 1-based): chr16:68,815,661, T deleted. VCF-style (leftmost placement, unchanged base first): chr16-68815660-CT-C. GRCh37 (hg19) VCF-style: chr16-68849563-CT-C.
Other names: c.1284del, p.Glu429fs (NM_001317184.2); c.-82del (NM_001317185.2); c.-353del (NM_001317186.2); short protein forms E429fs, E490fs.
Identifiers: ClinVar variation 2583264 (VCV002583264.2), dbSNP rs2478223403, ClinGen allele CA2582342596.

ClinVar aggregate classification (germline): Pathogenic (1 of 4 stars; one submission).

Conditions:
Hereditary diffuse gastric adenocarcinoma (HDGC). Also called: DIFFUSE GASTRIC AND LOBULAR BREAST CANCER SYNDROME. Identifiers: Orphanet 26106, MedGen C1708349, MONDO:0007648, OMIM 137215.

Submission:

Myriad Genetics, Inc.
Classification: Pathogenic for Hereditary diffuse gastric adenocarcinoma. Last evaluated: 2023-06-13. Review status: criteria provided, single submitter. Criteria: Myriad Autosomal Dominant, Autosomal Recessive and X-Linked Classification Criteria (2023). Collection method: clinical testing. Allele origin: unknown.
Comment: This variant is considered pathogenic. This variant creates a frameshift predicted to result in premature protein truncation.